The following is an entry in ClinVar:

ClinVar aggregate classification (germline): Uncertain significance. Review status: criteria provided, multiple submitters, no conflicts (2 of 4 stars). 4 submissions from 4 submitters: Uncertain significance (4). Last evaluated 2026-03-03.

Conditions:
Familial adenomatous polyposis 1 (FAP1). Also called: POLYPOSIS, ADENOMATOUS INTESTINAL; FAMILIAL ADENOMATOUS POLYPOSIS 1, ATTENUATED. Identifiers: MedGen C2713442, MONDO:0021056, OMIM 175100. Disease mechanism: loss of function.
Hereditary cancer-predisposing syndrome. Also called: Hereditary neoplastic syndrome; Tumor predisposition; Neoplastic Syndromes, Hereditary; Hereditary Cancer Syndrome. Identifiers: Orphanet 140162, MedGen C0027672, MeSH D009386, MONDO:0015356.

Submissions (4):

Ambry Genetics
Classification: Uncertain significance for Hereditary cancer-predisposing syndrome. Last evaluated: 2026-03-03. Review status: criteria provided, single submitter. Criteria: Ambry Variant Classification Scheme 2023. Collection method: clinical testing. Allele origin: germline.

Labcorp Genetics (formerly Invitae), Labcorp
Classification: Uncertain significance for Familial adenomatous polyposis 1. Last evaluated: 2025-08-20. Review status: criteria provided, single submitter. Criteria: Invitae Variant Classification Sherloc (09022015). Collection method: clinical testing. Allele origin: germline.
Comment: This sequence change replaces alanine, which is neutral and non-polar, with threonine, which is neutral and polar, at codon 1884 of the APC protein (p.Ala1884Thr). This variant is not present in population databases (gnomAD no frequency). This variant has not been reported in the literature in individuals affected with APC-related conditions. ClinVar contains an entry for this variant (Variation ID: 1332336). Invitae Evidence Modeling of protein sequence and biophysical properties (such as structural, functional, and spatial information, amino acid conservation, physicochemical variation, residue mobility, and thermodynamic stability) indicates that this missense variant is not expected to disrupt APC protein function with a negative predictive value of 95%. In summary, the available evidence is currently insufficient to determine the role of this variant in disease. Therefore, it has been classified as a Variant of Uncertain Significance.

Color Diagnostics, LLC DBA Color Health
Classification: Uncertain significance for Hereditary cancer-predisposing syndrome. Last evaluated: 2024-03-07. Review status: criteria provided, single submitter. Criteria: ACMG Guidelines, 2015. Collection method: clinical testing. Allele origin: germline.
Comment: This missense variant replaces alanine with threonine at codon 1884 of the APC protein. Computational prediction suggests that this variant may not impact protein structure and function (internally defined REVEL score threshold <= 0.5, PMID: 27666373). To our knowledge, functional studies have not been reported for this variant. This variant has not been reported in individuals affected with hereditary cancer in the literature. This variant has not been identified in the general population by the Genome Aggregation Database (gnomAD). The available evidence is insufficient to determine the role of this variant in disease conclusively. Therefore, this variant is classified as a Variant of Uncertain Significance.

Women's Health and Genetics/Laboratory Corporation of America, LabCorp
Classification: Uncertain significance. Last evaluated: 2022-11-17. Review status: criteria provided, single submitter. Criteria: LabCorp Variant Classification Summary - May 2015. Collection method: clinical testing. Allele origin: germline.

NM_000038.6(APC):c.5650G>A (p.Ala1884Thr)

Gene: APC (APC regulator of Wnt signaling pathway; plus strand). Cytogenetic location: 5q22.2.
Variant type: single nucleotide variant.
Coding change: c.5650G>A on transcript NM_000038.6 (MANE Select); coding-DNA position 5650, G replaced by A.
Protein change: p.Ala1884Thr; replaces alanine 1884 with threonine.
Molecular consequence: missense variant.
Genome position (GRCh38, 1-based): chr5:112,841,244, G>A. VCF-style: chr5-112841244-G-A. GRCh37 (hg19) VCF-style: chr5-112176941-G-A.
Other names: c.5650G>A, p.Ala1884Thr (NM_001127510.3, NM_001354895.2); c.5596G>A, p.Ala1866Thr (NM_001127511.3); c.5704G>A, p.Ala1902Thr (NM_001354896.2); c.5680G>A, p.Ala1894Thr (NM_001354897.2); c.5575G>A, p.Ala1859Thr (NM_001354898.2); c.5566G>A, p.Ala1856Thr (NM_001354899.2); c.5527G>A, p.Ala1843Thr (NM_001354900.2); c.5473G>A, p.Ala1825Thr (NM_001354901.2); and 5 more; short protein forms A1601T, A1724T, A1758T, A1783T, A1793T, A1825T, A1843T, A1856T.
Identifiers: ClinVar variation 1332336 (VCV001332336.9), dbSNP rs1580662124, ClinGen allele CA16033699.
Genomic context (GRCh38, chr5:112,841,244, plus strand): 5'-TCTCTAGATTTTGATGATGATGATGTTGACCTTTCCAGGGAAAAGGCTGAATTAAGAAAG[G>A]CAAAAGAAAATAAGGAATCAGAGGCTAAAGTTACCAGCCACACAGAACTAACCTCCAACC-3'
Protein context (NP_000029.2, residues 1874-1894): LSREKAELRK[Ala1884Thr]KENKESEAKV